The following is an entry in ClinVar:

ClinVar aggregate classification (germline): Uncertain significance (1 of 4 stars; one submission).

Conditions:
Brugada syndrome 8 (BRGDA8). Identifiers: Orphanet 130, MedGen C2751083, MONDO:0013148, OMIM 613123.

gnomAD v4.1: 1 of 1,419,604 alleles (0.00007%); highest among the groups gnomAD compares: Non-Finnish European, 0.000091%; no homozygotes.

Submission:

Labcorp Genetics (formerly Invitae), Labcorp
Classification: Uncertain significance for Brugada syndrome 8. Last evaluated: 2021-08-14. Review status: criteria provided, single submitter. Criteria: Invitae Variant Classification Sherloc (09022015). Collection method: clinical testing. Allele origin: germline.
Comment: This sequence change replaces alanine with valine at codon 84 of the HCN4 protein (p.Ala84Val). The alanine residue is moderately conserved and there is a small physicochemical difference between alanine and valine. The frequency data for this variant in the population databases is considered unreliable, as metrics indicate insufficient coverage at this position in the ExAC database. This variant has not been reported in the literature in individuals affected with HCN4-related conditions. Advanced modeling of protein sequence and biophysical properties (such as structural, functional, and spatial information, amino acid conservation, physicochemical variation, residue mobility, and thermodynamic stability) performed at Invitae indicates that this missense variant is not expected to disrupt HCN4 protein function. In summary, the available evidence is currently insufficient to determine the role of this variant in disease. Therefore, it has been classified as a Variant of Uncertain Significance.

NM_005477.3(HCN4):c.251C>T (p.Ala84Val)

Gene: HCN4 (hyperpolarization activated cyclic nucleotide gated potassium channel 4; minus strand). Cytogenetic location: 15q24.1.
Variant type: single nucleotide variant.
Coding change: c.251C>T on transcript NM_005477.3 (MANE Select); coding-DNA position 251, C replaced by T.
Protein change: p.Ala84Val; replaces alanine 84 with valine.
Molecular consequence: missense variant.
Genome position (GRCh38, 1-based): chr15:73,368,020, G>A on the plus strand (C>T on the coding strand, the complement: HCN4 is on the minus strand). VCF-style: chr15-73368020-G-A. GRCh37 (hg19) VCF-style: chr15-73660361-G-A.
Other names: short protein forms A84V.
Identifiers: ClinVar variation 1369421 (VCV001369421.5), dbSNP rs2151228645, ClinGen allele CA393098588.